The following is an entry in ClinVar:

ClinVar aggregate classification (germline): Benign/Likely benign. Review status: criteria provided, multiple submitters, no conflicts (2 of 4 stars). 5 submissions from 5 submitters: Benign (3); Likely benign (2). Last evaluated 2026-02-01.

Conditions:
Myopathy, proximal, and ophthalmoplegia (CMYO6). Also called: CONGENITAL MYOPATHY 6 WITH OPHTHALMOPLEGIA; MYOPATHY WITH CONGENITAL JOINT CONTRACTURES, OPHTHALMOPLEGIA, AND RIMMED VACUOLES; INCLUSION BODY MYOPATHY 3, AUTOSOMAL DOMINANT. Identifiers: Orphanet 363677, Orphanet 79091, MedGen C1854106, MONDO:0011577, OMIM 605637.

Allele frequency attached by ClinVar (database versions not stated): ESP Exome Variant Server 0.00031; gnomAD 0.00234 and 0.00257; ExAC 0.00246; gnomAD exomes 0.00337; TOPMed 0.00380; 1000 Genomes Project 0.00519; 1000 Genomes Project 30x 0.00609.
gnomAD v4.1: 2,338 of 1,613,950 alleles (0.14%); highest among the groups gnomAD compares: East Asian, 2.5%; 24 homozygotes.

Submissions (5):

Labcorp Genetics (formerly Invitae), Labcorp
Classification: Benign for Myopathy, proximal, and ophthalmoplegia. Last evaluated: 2026-02-01. Review status: criteria provided, single submitter. Criteria: Invitae Variant Classification Sherloc (09022015). Collection method: clinical testing. Allele origin: germline.

GeneDx
Classification: Likely benign. Last evaluated: 2021-05-04. Review status: criteria provided, single submitter. Criteria: GeneDx Variant Classification Process June 2021. Collection method: clinical testing. Allele origin: germline. Affected: yes.

Illumina Laboratory Services, Illumina
Classification: Benign for Myopathy, proximal, and ophthalmoplegia. Last evaluated: 2018-01-13. Review status: criteria provided, single submitter. Criteria: ICSL Variant Classification Criteria 13 December 2019. Collection method: clinical testing. Allele origin: germline.
Comment: This variant was observed in the ICSL laboratory as part of a predisposition screen in an ostensibly healthy population. It had not been previously curated by ICSL or reported in the Human Gene Mutation Database (HGMD: prior to June 1st, 2018), and was therefore a candidate for classification through an automated scoring system. Utilizing variant allele frequency, disease prevalence and penetrance estimates, and inheritance mode, an automated score was calculated to assess if this variant is too frequent to cause the disease. Based on the score and internal cut-off values, a variant classified as benign is not then subjected to further curation. The score for this variant resulted in a classification of benign for this disease.

Eurofins Ntd Llc (ga)
Classification: Benign. Last evaluated: 2015-07-10. Review status: criteria provided, single submitter. Criteria: EGL Classification Definitions 2015. Collection method: clinical testing. Allele origin: germline. Observed: 1 variant allele, 1 heterozygote.

Breakthrough Genomics
Classification: Likely benign. Review status: criteria provided, single submitter. Criteria: ACMG Guidelines, 2015. Collection method: not provided. Allele origin: germline. Inheritance: Autosomal dominant inheritance. Affected: yes.

NM_017534.6(MYH2):c.4860C>G (p.Leu1620=)

Genes: MYH2 (myosin heavy chain 2; minus strand), MYHAS (myosin heavy chain gene cluster antisense RNA; plus strand), LOC126862500 (BRD4-independent group 4 enhancer GRCh37_chr17:10427829-10429028; plus strand). Cytogenetic location: 17p13.1.
Variant type: single nucleotide variant.
Coding change: c.4860C>G on transcript NM_017534.6 (MANE Select); coding-DNA position 4860, C replaced by G.
Protein change: p.Leu1620=; no amino-acid change (leucine 1620 retained).
Molecular consequence: synonymous variant.
Genome position (GRCh38, 1-based): chr17:10,524,868, G>C on the plus strand (C>G on the coding strand, the complement: MYH2 is on the minus strand). VCF-style: chr17-10524868-G-C. GRCh37 (hg19) VCF-style: chr17-10428185-G-C.
Other names: c.4860C>G, p.Leu1620= (NM_001100112.2).
Identifiers: ClinVar variation 281669 (VCV000281669.28), dbSNP rs148538539, ClinGen allele CA8390547.
Genomic context (GRCh38, chr17:10,524,868, plus strand): 5'-GCGGTTGGCATGGTTCAGCTGGATTTCCATTTCATTGAGGTCTCCCTCCATCTTCTTCTT[G>C]AGCCTAATGGCATCATTCCTACTCCTGATCTCAGCATCCAGCGTGCTCTGCATGGACTCC-3'
Protein context (NP_060004.3, residues 1610-1630): EIRSRNDAIR[Leu1620=]KKKMEGDLNE